The following is an entry in ClinVar:

ClinVar aggregate classification (germline): Uncertain significance. Review status: criteria provided, multiple submitters, no conflicts (2 of 4 stars). 4 submissions from 4 submitters: Uncertain significance (4). Last evaluated 2025-11-15.

Conditions:
Melanoma, cutaneous malignant, susceptibility to, 1 (CMM1). Also called: B-K MOLE SYNDROME; MELANOMA, MALIGNANT; DYSPLASTIC NEVUS SYNDROME, HEREDITARY; FAMILIAL ATYPICAL MOLE-MALIGNANT MELANOMA SYNDROME. Identifiers: Orphanet 618, MedGen C1835047, MONDO:0007963, OMIM 155600.
LEOPARD syndrome 3 (LPRD3). Identifiers: Orphanet 500, MedGen C3150971, MONDO:0013380, OMIM 613707.
Noonan syndrome 7 (NS7). Also called: BRAF-Related Noonan Syndrome. Identifiers: Orphanet 648, MedGen C3150970, MONDO:0013379, OMIM 613706.
Colorectal cancer. Also called: Colorectal cancer, somatic; Malignant Colorectal Neoplasm. Identifiers: MedGen C0346629, MONDO:0005575, OMIM 114500.
Noonan syndrome 1 (NS1). Also called: FEMALE PSEUDO-TURNER SYNDROME; TURNER PHENOTYPE WITH NORMAL KARYOTYPE; PTPN11-Related Noonan Syndrome. Identifiers: Orphanet 648, MedGen C4551602, MONDO:0008104, OMIM 163950. Disease mechanism: gain of function.
Lung cancer. Also called: Malignant tumor of lung; Lung cancer, somatic. Identifiers: MedGen C0242379, MONDO:0008903, OMIM 211980.
Cardiofaciocutaneous syndrome 1 (CFC1). Also called: BRAF-Related Cardiofaciocutaneous Syndrome. Identifiers: Orphanet 1340, MedGen CN029449, MONDO:0007265, OMIM 115150. Disease mechanism: gain of function.
RASopathy. Also called: Noonan spectrum disorder; rasopathies. Identifiers: Orphanet 536391, MedGen C5555857, MONDO:0021060.

Allele frequency attached by ClinVar (database versions not stated): gnomAD exomes below 0.00001; gnomAD 0.00001; TOPMed 0.00002.
gnomAD v4.1: 5 of 1,613,300 alleles (0.00031%); highest among the groups gnomAD compares: East Asian, 0.0022%; no homozygotes.

Submissions (4):

Mayo Clinic Laboratories, Mayo Clinic
Classification: Uncertain significance. Last evaluated: 2025-11-15. Review status: criteria provided, single submitter. Criteria: ACMG Guidelines, 2015. Collection method: clinical testing. Allele origin: germline. Observed: 1 variant allele.
Comment: PP2

Labcorp Genetics (formerly Invitae), Labcorp
Classification: Uncertain significance for RASopathy. Last evaluated: 2021-10-17. Review status: criteria provided, single submitter. Criteria: Invitae Variant Classification Sherloc (09022015). Collection method: clinical testing. Allele origin: germline.
Comment: In summary, the available evidence is currently insufficient to determine the role of this variant in disease. Therefore, it has been classified as a Variant of Uncertain Significance. Algorithms developed to predict the effect of missense changes on protein structure and function (SIFT, PolyPhen-2, Align-GVGD) all suggest that this variant is likely to be tolerated. This variant has not been reported in the literature in individuals affected with BRAF-related conditions. This variant is not present in population databases (ExAC no frequency). This sequence change replaces arginine with glutamine at codon 354 of the BRAF protein (p.Arg354Gln). The arginine residue is highly conserved and there is a small physicochemical difference between arginine and glutamine.

Fulgent Genetics
Classification: Uncertain significance for Colorectal cancer; Cardiofaciocutaneous syndrome 1; Melanoma, cutaneous malignant, susceptibility to, 1; Noonan syndrome 1; Lung cancer; Noonan syndrome 7; LEOPARD syndrome 3. Last evaluated: 2021-08-23. Review status: criteria provided, single submitter. Criteria: ACMG Guidelines, 2015. Collection method: clinical testing. Allele origin: unknown.

GeneDx
Classification: Uncertain significance. Last evaluated: 2020-01-09. Review status: criteria provided, single submitter. Criteria: GeneDx Variant Classification Process June 2021. Collection method: clinical testing. Allele origin: germline. Affected: yes.
Comment: Has not been previously published as pathogenic or benign to our knowledge; In silico analysis, which includes protein predictors and evolutionary conservation, supports that this variant does not alter protein structure/function; The majority of missense variants in this gene are considered pathogenic (Stenson et al., 2014)

Literature cited by the submitters: PubMed 36307859 (cited by Mayo Clinic Laboratories, Mayo Clinic).

NM_004333.6(BRAF):c.1061G>A (p.Arg354Gln)

Genes: BRAF (B-Raf proto-oncogene, serine/threonine kinase; minus strand), LOC126860202 (BRD4-independent group 4 enhancer GRCh37_chr7:140493623-140494822; plus strand). Cytogenetic location: 7q34.
Variant type: single nucleotide variant.
Coding change: c.1061G>A on transcript NM_004333.6 (MANE Select); coding-DNA position 1061, G replaced by A.
Protein change: p.Arg354Gln; replaces arginine 354 with glutamine.
Molecular consequence: missense variant.
Genome position (GRCh38, 1-based): chr7:140,794,387, C>T on the plus strand (G>A on the coding strand, the complement: BRAF is on the minus strand). VCF-style: chr7-140794387-C-T. GRCh37 (hg19) VCF-style: chr7-140494187-C-T.
Other names: p.Arg354Gln; c.1061G>A, p.Arg354Gln (NM_001354609.2, NM_001374244.1, NM_001374258.1 and 4 more transcripts); c.1070G>A, p.Arg357Gln (NM_001378467.1); c.959G>A, p.Arg320Gln (NM_001378470.1); c.905G>A, p.Arg302Gln (NM_001378472.1, NM_001378473.1); c.797G>A, p.Arg266Gln (NM_001378475.1); short protein forms R266Q, R302Q, R320Q, R354Q, R357Q.
Identifiers: ClinVar variation 1320770 (VCV001320770.9), dbSNP rs1158980679, ClinGen allele CA369589848.
Genomic context (GRCh38, chr7:140,794,387, plus strand): 5'-ATTGTGTTTATATGCACATTGGGAGCTGATGAGGATCGGTCTCGTTGCCCAAATTGATTT[C>T]GATGATCTTCATCTGCTGGTCGGAAGGGCTGTGGAATTGGAATGGATTTTGAAGGAGACG-3'
Protein context (NP_004324.2, residues 344-364): QPFRPADEDH[Arg354Gln]NQFGQRDRSS